The following is an entry in ClinVar:

NM_007357.3(COG2):c.183C>T (p.Val61=)

Gene: COG2 (component of oligomeric golgi complex 2; plus strand). Cytogenetic location: 1q42.2.
Variant type: single nucleotide variant.
Coding change: c.183C>T on transcript NM_007357.3 (MANE Select); coding-DNA position 183, C replaced by T.
Protein change: p.Val61=; no amino-acid change (valine 61 retained).
Molecular consequence: synonymous variant.
Genome position (GRCh38, 1-based): chr1:230,659,574, C>T. VCF-style: chr1-230659574-C-T. GRCh37 (hg19) VCF-style: chr1-230795320-C-T.
Other names: c.183C>T, p.Val61= (NM_001145036.2).
Identifiers: ClinVar variation 709599 (VCV000709599.33), dbSNP rs79749108, ClinGen allele CA1447301.

ClinVar aggregate classification (germline): Benign/Likely benign. Review status: criteria provided, multiple submitters, no conflicts (2 of 4 stars). 3 submissions from 3 submitters: Benign (2); Likely benign (1). Last evaluated 2026-09-01.

Conditions:
COG2-related disorder. Also called: COG2-related condition.
Congenital disorder of glycosylation, type IIq. Also called: CDG IIq. Identifiers: Orphanet 435934, MedGen C4479353, MONDO:0054559, OMIM 617395.

Allele frequency attached by ClinVar (database versions not stated): gnomAD exomes 0.00039 and 0.00094; ExAC 0.00118; gnomAD 0.00381 and 0.00410; TOPMed 0.00419; ESP Exome Variant Server 0.00454; 1000 Genomes Project 30x 0.00578; 1000 Genomes Project 0.00579.
gnomAD v4.1: 1,180 of 1,613,948 alleles (0.073%); highest among the groups gnomAD compares: African/African-American, 1.4%; 11 homozygotes.

Submissions (3):

CeGaT Center for Human Genetics Tuebingen
Classification: Likely benign. Last evaluated: 2026-09-01. Review status: criteria provided, single submitter. Criteria: CeGaT Center For Human Genetics Tuebingen Variant Classification Criteria Version 2. Collection method: clinical testing. Allele origin: germline. Affected: yes. Observed: 2 variant alleles.
Comment: COG2: BP4, BP7, BS1

Labcorp Genetics (formerly Invitae), Labcorp
Classification: Benign for Congenital disorder of glycosylation, type IIq. Last evaluated: 2026-01-19. Review status: criteria provided, single submitter. Criteria: Invitae Variant Classification Sherloc (09022015). Collection method: clinical testing. Allele origin: germline.

PreventionGenetics, part of Exact Sciences
Classification: Benign for COG2-related condition. Last evaluated: 2025-01-28. Review status: criteria provided, single submitter. Criteria: ACMG Guidelines, 2015. Collection method: clinical testing. Allele origin: germline.
Comment: This variant is classified as benign based on ACMG/AMP sequence variant interpretation guidelines (Richards et al. 2015 PMID: 25741868, with internal and published modifications).